The following is an entry in ClinVar:

NM_000124.4(ERCC6):c.809del (p.Gly270fs)

Gene: ERCC6 (ERCC excision repair 6, chromatin remodeling factor; minus strand). Cytogenetic location: 10q11.23.
Variant type: Deletion.
Coding change: c.809del on transcript NM_000124.4 (MANE Select); coding-DNA position 809, one base deleted (G; older notation c.809delG).
Protein change: p.Gly270fs; shifts the reading frame from glycine 270.
Molecular consequence: frameshift variant.
Genome position (GRCh38, 1-based): chr10:49,524,621, C deleted on the plus strand (G on the coding strand, the reverse complement: ERCC6 is on the minus strand); the first of 2 consecutive C bases (chr10:49,524,621-49,524,622); deleting either gives the same sequence. VCF-style (leftmost placement, unchanged base first): chr10-49524620-GC-G. GRCh37 (hg19) VCF-style: chr10-50732666-GC-G.
Other names: c.809delG (NM_000124.4); c.809del, p.Gly270fs (NM_001277058.2, NM_001277059.2, NM_001346440.2); short protein forms G270fs.
Identifiers: ClinVar variation 591787 (VCV000591787.9), dbSNP rs923535659, ClinGen allele CA206620449.

ClinVar aggregate classification (germline): Pathogenic/Likely pathogenic. Review status: criteria provided, multiple submitters, no conflicts (2 of 4 stars). 4 submissions from 4 submitters: Pathogenic (2); Likely pathogenic (1). 1 of the submissions does not count toward it. Last evaluated 2026-05-07.

Conditions:
ERCC6-related disorder. Also called: ERCC6-related condition; ERCC6-related disorders. Identifiers: MedGen CN239385.
Cerebrooculofacioskeletal syndrome 1 (COFS1). Also called: Cerebro-oculo-facio-skeletal syndrome 1. Identifiers: MedGen C0220722, MONDO:0008955, OMIM 214150.

Submissions (4):

Women's Health and Genetics/Laboratory Corporation of America, LabCorp
Classification: Pathogenic for Cerebrooculofacioskeletal syndrome 1. Last evaluated: 2026-05-07. Review status: criteria provided, single submitter. Criteria: LabCorp Variant Classification Summary - May 2015. Collection method: clinical testing. Allele origin: germline.
Comment: Variant summary: ERCC6 c.809delG (p.Gly270AlafsX59) results in a premature termination codon, predicted to cause absence of the protein due to nonsense mediated decay, which is a commonly known mechanism for disease. The variant was absent in 251434 control chromosomes. To our knowledge, no occurrence of c.809delG in individuals affected with ERCC6-related conditions and no experimental evidence demonstrating its impact on protein function have been reported. ClinVar contains an entry for this variant (Variation ID: 591787). Based on the evidence outlined above, the variant was classified as pathogenic.

Blueprint Genetics
Classification: Likely pathogenic for ERCC6-related disorders. Last evaluated: 2021-10-18. Review status: criteria provided, single submitter. Criteria: ACMG Guidelines, 2015. Collection method: clinical testing. Allele origin: germline. Affected: yes. Observed: 1 variant allele.

Labcorp Genetics (formerly Invitae), Labcorp
Classification: Pathogenic. Last evaluated: 2020-07-28. Review status: criteria provided, single submitter. Criteria: Invitae Variant Classification Sherloc (09022015). Collection method: clinical testing. Allele origin: germline.
Comment: For these reasons, this variant has been classified as Pathogenic. Loss-of-function variants in ERCC6 are known to be pathogenic (PMID: 18628313, 29572252). This variant has not been reported in the literature in individuals with ERCC6-related conditions. ClinVar contains an entry for this variant (Variation ID: 591787). This variant is not present in population databases (ExAC no frequency). This sequence change creates a premature translational stop signal (p.Gly270Alafs*59) in the ERCC6 gene. It is expected to result in an absent or disrupted protein product.

Gharavi Laboratory, Columbia University
Classification: Uncertain significance. Last evaluated: 2018-09-16. Review status: no assertion criteria provided. Criteria: ACMG Guidelines, 2015. Collection method: research. Allele origin: germline. Affected: yes. Not counted in ClinVar's aggregate classification.

Literature cited by the submitters: PubMed 18628313 (cited by Labcorp Genetics (formerly Invitae), Labcorp); PubMed 29572252 (cited by Labcorp Genetics (formerly Invitae), Labcorp).